The following is an entry in ClinVar:

NM_012186.3(FOXE3):c.224C>T (p.Ser75Leu)

Genes: FOXE3 (forkhead box E3; plus strand), LINC01389 (long intergenic non-protein coding RNA 1389; minus strand). Cytogenetic location: 1p33.
Variant type: single nucleotide variant.
Coding change: c.224C>T on transcript NM_012186.3 (MANE Select); coding-DNA position 224, C replaced by T.
Protein change: p.Ser75Leu; replaces serine 75 with leucine.
Molecular consequence: missense variant.
Genome position (GRCh38, 1-based): chr1:47,416,539, C>T. VCF-style: chr1-47416539-C-T. GRCh37 (hg19) VCF-style: chr1-47882211-C-T.
Other names: short protein forms S75L.
Identifiers: ClinVar variation 383925 (VCV000383925.2), dbSNP rs750769299, ClinGen allele CA16603754.

ClinVar aggregate classification (germline): Likely pathogenic (1 of 4 stars; one submission).

Submission:

GeneDx
Classification: Likely pathogenic. Last evaluated: 2016-02-11. Review status: criteria provided, single submitter. Criteria: GeneDx Variant Classification (06012015). Collection method: clinical testing. Allele origin: germline. Affected: yes.
Comment: The S75L variant in the FOXE3 gene, located in the forkhead protein domain, has not been reported previously as a pathogenic variant, nor as a benign variant, to our knowledge. This variant was not observed in approximately 6300 individuals of European and African American ancestry in the NHLBI Exome Sequencing Project, indicating it is not a common benign variant in these populations. The S75L variant is a non-conservative amino acid substitution, which is likely to impact secondary protein structure as these residues differ in polarity, charge, size and/or other properties. This substitution occurs at a position that is conserved across species, and in silico analysis predicts this variant is probably damaging to the protein structure/function. The S75L variant is a strong candidate for a pathogenic variant, however the possibility it may be a rare benign variant cannot be excluded.